The following is an entry in ClinVar:

ClinVar aggregate classification (germline): Uncertain significance (1 of 4 stars; one submission).

Conditions:
Immunodeficiency. Identifiers: MedGen C0021051, MONDO:0021094, HP:0002721.

Submission:

Labcorp Genetics (formerly Invitae), Labcorp
Classification: Uncertain significance for Immunodeficiency. Last evaluated: 2022-07-19. Review status: criteria provided, single submitter. Criteria: Invitae Variant Classification Sherloc (09022015). Collection method: clinical testing. Allele origin: germline.
Comment: This sequence change replaces isoleucine, which is neutral and non-polar, with methionine, which is neutral and non-polar, at codon 1214 of the NFAT5 protein (p.Ile1214Met). This variant is not present in population databases (gnomAD no frequency). In summary, the available evidence is currently insufficient to determine the role of this variant in disease. Therefore, it has been classified as a Variant of Uncertain Significance. Algorithms developed to predict the effect of missense changes on protein structure and function output the following: SIFT: "Tolerated"; PolyPhen-2: "Benign"; Align-GVGD: "Class C0". The methionine amino acid residue is found in multiple mammalian species, which suggests that this missense change does not adversely affect protein function. ClinVar contains an entry for this variant (Variation ID: 940967). This variant has not been reported in the literature in individuals affected with NFAT5-related conditions.

NM_138713.4(NFAT5):c.3924A>G (p.Ile1308Met)

Gene: NFAT5 (nuclear factor of activated T cells 5; plus strand). Cytogenetic location: 16q22.1.
Variant type: single nucleotide variant.
Coding change: c.3924A>G on transcript NM_138713.4 (MANE Select); coding-DNA position 3924, A replaced by G.
Protein change: p.Ile1308Met; replaces isoleucine 1308 with methionine.
Molecular consequence: missense variant.
Genome position (GRCh38, 1-based): chr16:69,693,749, A>G. VCF-style: chr16-69693749-A-G. GRCh37 (hg19) VCF-style: chr16-69727652-A-G.
Other names: c.3921A>G, p.Ile1307Met (NM_001113178.3); c.3249A>G, p.Ile1083Met (NM_001367709.1); c.3870A>G, p.Ile1290Met (NM_006599.4); c.3642A>G, p.Ile1214Met (NM_138714.4, NM_173214.3, NM_173215.3); short protein forms I1083M, I1214M, I1290M, I1307M, I1308M.
Identifiers: ClinVar variation 940967 (VCV000940967.9), dbSNP rs2037654799, ClinGen allele CA396514512.